The following is an entry in ClinVar:

ClinVar aggregate classification (germline): Uncertain significance (1 of 4 stars; one submission).

Submission:

Labcorp Genetics (formerly Invitae), Labcorp
Classification: Uncertain significance. Last evaluated: 2022-02-08. Review status: criteria provided, single submitter. Criteria: Invitae Variant Classification Sherloc (09022015). Collection method: clinical testing. Allele origin: germline.
Comment: This variant has not been reported in the literature in individuals affected with DMXL2-related conditions. This variant is not present in population databases (gnomAD no frequency). This sequence change replaces glutamic acid, which is acidic and polar, with aspartic acid, which is acidic and polar, at codon 2705 of the DMXL2 protein (p.Glu2705Asp). Algorithms developed to predict the effect of missense changes on protein structure and function (SIFT, PolyPhen-2, Align-GVGD) all suggest that this variant is likely to be tolerated. In summary, the available evidence is currently insufficient to determine the role of this variant in disease. Therefore, it has been classified as a Variant of Uncertain Significance.

NM_001378457.1(DMXL2):c.8178A>C (p.Glu2726Asp)

Gene: DMXL2 (Dmx like 2; minus strand). Cytogenetic location: 15q21.2.
Variant type: single nucleotide variant.
Coding change: c.8178A>C on transcript NM_001378457.1 (MANE Select); coding-DNA position 8178, A replaced by C.
Protein change: p.Glu2726Asp; replaces glutamic acid 2726 with aspartic acid.
Molecular consequence: missense variant. On other transcripts: non-coding transcript variant (2).
Genome position (GRCh38, 1-based): chr15:51,458,526, T>G on the plus strand (A>C on the coding strand, the complement: DMXL2 is on the minus strand). VCF-style: chr15-51458526-T-G. GRCh37 (hg19) VCF-style: chr15-51750723-T-G.
Other names: c.8115A>C, p.Glu2705Asp (NM_001174116.3); c.6204A>C, p.Glu2068Asp (NM_001174117.3); c.8175A>C, p.Glu2725Asp (NM_001378458.1); c.7890A>C, p.Glu2630Asp (NM_001378459.1); c.6093A>C, p.Glu2031Asp (NM_001378460.1); c.8112A>C, p.Glu2704Asp (NM_015263.5); short protein forms E2630D, E2725D, E2726D, E2068D, E2704D, E2031D, E2705D.
Identifiers: ClinVar variation 2095166 (VCV002095166.4), dbSNP rs756433240, ClinGen allele CA392436703.